The following is an entry in ClinVar:

ClinVar aggregate classification (germline): Uncertain significance (1 of 4 stars; one submission).

Conditions:
Methylmalonic aciduria and homocystinuria type cblF. Also called: COBALAMIN F DISEASE; COBALAMIN, DEFECT IN LYSOSOMAL RELEASE OF; METHYLMALONIC ACIDEMIA AND HOMOCYSTINURIA, cblF TYPE; METHYLMALONIC ACIDURIA DUE TO VITAMIN B12-RELEASE DEFECT; VITAMIN B12 LYSOSOMAL RELEASE DEFECT; VITAMIN B12 STORAGE DISEASE. Identifiers: Orphanet 79284, MedGen C1848578, MONDO:0010183, OMIM 277380.

Allele frequency attached by ClinVar (database versions not stated): TOPMed below 0.00001; gnomAD 0.00001.
gnomAD v4.1: 2 of 1,443,500 alleles (0.00014%); highest among the groups gnomAD compares: African/African-American, 0.0015%; no homozygotes.

Submission:

Labcorp Genetics (formerly Invitae), Labcorp
Classification: Uncertain significance for Methylmalonic aciduria and homocystinuria type cblF. Last evaluated: 2021-12-08. Review status: criteria provided, single submitter. Criteria: Invitae Variant Classification Sherloc (09022015). Collection method: clinical testing. Allele origin: germline.
Comment: This sequence change replaces isoleucine, which is neutral and non-polar, with threonine, which is neutral and polar, at codon 370 of the LMBRD1 protein (p.Ile370Thr). This variant is not present in population databases (gnomAD no frequency). This variant has not been reported in the literature in individuals affected with LMBRD1-related conditions. Algorithms developed to predict the effect of missense changes on protein structure and function are either unavailable or do not agree on the potential impact of this missense change (SIFT: "Deleterious"; PolyPhen-2: "Possibly Damaging"; Align-GVGD: "Class C0"). In summary, the available evidence is currently insufficient to determine the role of this variant in disease. Therefore, it has been classified as a Variant of Uncertain Significance.

NM_018368.4(LMBRD1):c.1109T>C (p.Ile370Thr)

Gene: LMBRD1 (LMBR1 domain containing 1; minus strand). Cytogenetic location: 6q13.
Variant type: single nucleotide variant.
Coding change: c.1109T>C on transcript NM_018368.4 (MANE Select); coding-DNA position 1109, T replaced by C.
Protein change: p.Ile370Thr; replaces isoleucine 370 with threonine.
Molecular consequence: missense variant.
Genome position (GRCh38, 1-based): chr6:69,700,844, A>G on the plus strand (T>C on the coding strand, the complement: LMBRD1 is on the minus strand). VCF-style: chr6-69700844-A-G. GRCh37 (hg19) VCF-style: chr6-70410736-A-G.
Other names: c.890T>C, p.Ile297Thr (NM_001363722.2, NM_001367271.1, NM_001367272.1); short protein forms I297T, I370T.
Identifiers: ClinVar variation 2037933 (VCV002037933.3), dbSNP rs1484027580, ClinGen allele CA364664503.